The following is an entry in ClinVar:

NM_000535.7(PMS2):c.176A>T (p.Lys59Met)

Gene: PMS2 (PMS1 homolog 2, mismatch repair system component; minus strand). Cytogenetic location: 7p22.1.
Variant type: single nucleotide variant.
Coding change: c.176A>T on transcript NM_000535.7 (MANE Select); coding-DNA position 176, A replaced by T.
Protein change: p.Lys59Met; replaces lysine 59 with methionine.
Molecular consequence: missense variant. On other transcripts: 5 prime UTR variant (11), non-coding transcript variant (1).
Genome position (GRCh38, 1-based): chr7:6,004,046, T>A on the plus strand (A>T on the coding strand, the complement: PMS2 is on the minus strand). VCF-style: chr7-6004046-T-A. GRCh37 (hg19) VCF-style: chr7-6043677-T-A.
Other names: c.-230A>T (NM_001322003.2, NM_001322004.2, NM_001322005.2 and 3 more transcripts); c.176A>T, p.Lys59Met (NM_001322006.2, NM_001322014.2); c.-40A>T (NM_001322007.2, NM_001322008.2); c.-709A>T (NM_001322011.2, NM_001322012.2); c.-309A>T (NM_001322015.2); short protein forms K59M.
Identifiers: ClinVar variation 1349599 (VCV001349599.8), dbSNP rs2128830591, ClinGen allele CA366744910.
Genomic context (GRCh38, chr7:6,004,046, plus strand): 5'-TTTTCTTCTTCTACCCCACATCCATTGTCTGAAACTTCAATAAGATCCACTCCATAGTCC[T>A]TAAGCTTTAGATCTAGAAAGTTTAAAATATTTACATATTTATTAAAAACGGACCCATGCT-3'
Protein context (NP_000526.2, residues 49-69): AGATNIDLKL[Lys59Met]DYGVDLIEVS

ClinVar aggregate classification (germline): Uncertain significance (1 of 4 stars; one submission).

Conditions:
Hereditary nonpolyposis colorectal neoplasms. Identifiers: MedGen C0009405, MeSH D003123.

Submission:

Labcorp Genetics (formerly Invitae), Labcorp
Classification: Uncertain significance for Hereditary nonpolyposis colorectal neoplasms. Last evaluated: 2021-07-28. Review status: criteria provided, single submitter. Criteria: Invitae Variant Classification Sherloc (09022015). Collection method: clinical testing. Allele origin: germline.
Comment: This variant is not present in population databases (ExAC no frequency). This sequence change replaces lysine with methionine at codon 59 of the PMS2 protein (p.Lys59Met). The lysine residue is highly conserved and there is a moderate physicochemical difference between lysine and methionine. This variant has not been reported in the literature in individuals with PMS2-related conditions. Algorithms developed to predict the effect of missense changes on protein structure and function (SIFT, PolyPhen-2, Align-GVGD) all suggest that this variant is likely to be disruptive, but these predictions have not been confirmed by published functional studies and their clinical significance is uncertain. In summary, the available evidence is currently insufficient to determine the role of this variant in disease. Therefore, it has been classified as a Variant of Uncertain Significance.